The following is an entry in ClinVar:

NM_001378454.1(ALMS1):c.2212G>A (p.Glu738Lys)

Gene: ALMS1 (ALMS1 centrosome and basal body associated protein; plus strand). Cytogenetic location: 2p13.1.
Variant type: single nucleotide variant.
Coding change: c.2212G>A on transcript NM_001378454.1 (MANE Select); coding-DNA position 2212, G replaced by A.
Protein change: p.Glu738Lys; replaces glutamic acid 738 with lysine.
Molecular consequence: missense variant.
Genome position (GRCh38, 1-based): chr2:73,448,739, G>A. VCF-style: chr2-73448739-G-A. GRCh37 (hg19) VCF-style: chr2-73675866-G-A.
Other names: c.2215G>A, p.Glu739Lys (NM_015120.4); short protein forms E739K, E738K.
Identifiers: ClinVar variation 393371 (VCV000393371.3), dbSNP rs1057524883, ClinGen allele CA16609243.
Genomic context (GRCh38, chr2:73,448,739, plus strand): 5'-CATAGAGAGAAGCCTGGTATTTTTTACCAACAAGAGTTCGCAGACAGTCATCAAACTGAA[G>A]AGACTCTTACTAAAGTTTCAGCCACTCCTGGACCAGCTGACCAGAAGACTGAGATACCAG-3'
Protein context (NP_001365383.1, residues 728-748): QEFADSHQTE[Glu738Lys]TLTKVSATPG

ClinVar aggregate classification (germline): Conflicting classifications of pathogenicity. Review status: criteria provided, conflicting classifications (1 of 4 stars). 2 submissions from 2 submitters: Uncertain significance (1); Likely benign (1). Last evaluated 2020-08-12.

Conditions:
Monogenic diabetes. Identifiers: Orphanet 183625, MedGen C3888631, MONDO:0015967.
Cardiovascular phenotype. Identifiers: MedGen CN230736.

Allele frequency attached by ClinVar (database versions not stated): gnomAD exomes below 0.00001; gnomAD 0.00001.
gnomAD v4.1: 4 of 1,605,440 alleles (0.00025%); highest among the groups gnomAD compares: African/African-American, 0.0053%; no homozygotes.

Submissions (2):

Ambry Genetics
Classification: Uncertain significance for Cardiovascular phenotype. Last evaluated: 2020-08-12. Review status: criteria provided, single submitter. Criteria: Ambry Variant Classification Scheme 2023. Collection method: clinical testing. Allele origin: germline.
Comment: The p.E739K variant (also known as c.2215G>A), located in coding exon 8 of the ALMS1 gene, results from a G to A substitution at nucleotide position 2215. The glutamic acid at codon 739 is replaced by lysine, an amino acid with similar properties. This amino acid position is not well conserved in available vertebrate species. In addition, this alteration is predicted to be tolerated by in silico analysis. Since supporting evidence is limited at this time, the clinical significance of this alteration remains unclear.

Personalized Diabetes Medicine Program, University of Maryland School of Medicine
Classification: Likely benign for Monogenic diabetes. Last evaluated: 2016-06-07. Review status: criteria provided, single submitter. Criteria: ACMG Guidelines, 2015. Collection method: research. Allele origin: unknown. Observed: 1 variant allele, 1 heterozygote.
Comment: ACMG Criteria: PM2, PP3, BP1, BP4